The following is an entry in ClinVar:

ClinVar aggregate classification (germline): Uncertain significance (1 of 4 stars; one submission).

Submission:

Labcorp Genetics (formerly Invitae), Labcorp
Classification: Uncertain significance. Last evaluated: 2022-05-04. Review status: criteria provided, single submitter. Criteria: Invitae Variant Classification Sherloc (09022015). Collection method: clinical testing. Allele origin: germline.
Comment: In summary, the available evidence is currently insufficient to determine the role of this variant in disease. Therefore, it has been classified as a Variant of Uncertain Significance. Experimental studies and prediction algorithms are not available or were not evaluated, and the effect of this variant on mRNA splicing is currently unknown. This variant has not been reported in the literature in individuals affected with CDH3-related conditions. Information on the frequency of this variant in the gnomAD database is not available, as this variant may be reported differently in the database. This sequence change affects codon 746 of the CDH3 mRNA. It is a 'silent' change, meaning that it does not change the encoded amino acid sequence of the CDH3 protein.

NM_001793.6(CDH3):c.2238_2239delinsCA (p.Pro746_Arg747=)

Gene: CDH3 (cadherin 3; plus strand). Cytogenetic location: 16q22.1.
Variant type: Indel.
Coding change: c.2238_2239delinsCA on transcript NM_001793.6 (MANE Select); coding-DNA positions 2238 to 2239, TC replaced by CA.
Protein change: p.Pro746_Arg747=.
Molecular consequence: synonymous variant.
Genome position (GRCh38, 1-based): chr16:68,695,881-68,695,882, TC replaced by CA. VCF-style: chr16-68695881-TC-CA. GRCh37 (hg19) VCF-style: chr16-68729784-TC-CA.
Other names: c.2238_2239delinsCA, p.Pro746_Arg747= (NM_001317195.3); c.2073_2074delinsCA, p.Pro691_Arg692= (NM_001317196.2).
Identifiers: ClinVar variation 2133623 (VCV002133623.4), dbSNP rs2543768094, ClinGen allele CA2580091832.
Genomic context (GRCh38, chr16:68,695,881, plus strand): 5'-GGAGGTGGTTCTCCGCAATGACGTGGCACCAACCATCATCCCGACACCCATGTACCGTCC[TC>CA]GGCCAGCCAACCCAGATGAAATCGGCAACTTTATAATTGAGGTGAGGCGTGGCAGGCCAG-3'